The following is an entry in ClinVar:

NM_032242.4(PLXNA1):c.2561C>T (p.Ala854Val)

Gene: PLXNA1 (plexin A1; plus strand). Cytogenetic location: 3q21.3.
Variant type: single nucleotide variant.
Coding change: c.2561C>T on transcript NM_032242.4 (MANE Select); coding-DNA position 2561, C replaced by T.
Protein change: p.Ala854Val; replaces alanine 854 with valine.
Molecular consequence: missense variant.
Genome position (GRCh38, 1-based): chr3:127,014,332, C>T. VCF-style: chr3-127014332-C-T. GRCh37 (hg19) VCF-style: chr3-126733175-C-T.
Other names: short protein forms A854V.
Identifiers: ClinVar variation 2521211 (VCV002521211.3), dbSNP rs373519407, ClinGen allele CA2593662.
Genomic context (GRCh38, chr3:127,014,332, plus strand): 5'-AGCGCCGCTGCTCCCTGCGACACCACTGCGCTGCCGACACACCTGCATCGTGGATGCACG[C>T]GCGTCACGGCAGCAGTCGCTGCACCGACCCCAAGATCCTCAAGGTAGGGCCCCCAGCCCT-3'
Protein context (NP_115618.3, residues 844-864): AADTPASWMH[Ala854Val]RHGSSRCTDP

ClinVar aggregate classification (germline): Uncertain significance. Review status: criteria provided, multiple submitters, no conflicts (2 of 4 stars). 2 submissions from 2 submitters: Uncertain significance (2). Last evaluated 2025-11-09.

Conditions:
PLXNA1-related disorder. Also called: PLXNA1-related condition.

Allele frequency attached by ClinVar (database versions not stated): ExAC 0.00001; gnomAD 0.00001; ESP Exome Variant Server 0.00008.
gnomAD v4.1: 24 of 1,596,760 alleles (0.0015%); highest among the groups gnomAD compares: Admixed American, 0.0084%; no homozygotes.

Submissions (2):

PreventionGenetics, part of Exact Sciences
Classification: Uncertain significance for PLXNA1-related condition. Last evaluated: 2025-11-09. Review status: criteria provided, single submitter. Criteria: ACMG Guidelines, 2015. Collection method: clinical testing. Allele origin: germline.
Comment: The PLXNA1 c.2561C>T variant is predicted to result in the amino acid substitution p.Ala854Val. To our knowledge, this variant has not been reported in the literature. This variant is reported in 0.0090% of alleles in individuals of Latino descent in gnomAD. At this time, the clinical significance of this variant is uncertain due to the absence of conclusive functional and genetic evidence.

Ambry Genetics
Classification: Uncertain significance. Last evaluated: 2023-06-01. Review status: criteria provided, single submitter. Criteria: Ambry Variant Classification Scheme 2023. Collection method: clinical testing. Allele origin: germline.